The following is an entry in ClinVar:

ClinVar aggregate classification (germline): Pathogenic (1 of 4 stars; one submission).

Conditions:
Duchenne muscular dystrophy (DMD). Also called: Duchenne Muscular Dystrophy (DMD); MUSCULAR DYSTROPHY, PSEUDOHYPERTROPHIC PROGRESSIVE, DUCHENNE TYPE. Identifiers: Orphanet 98896, MedGen C0013264, MONDO:0010679, OMIM 310200.

Submission:

Labcorp Genetics (formerly Invitae), Labcorp
Classification: Pathogenic for Duchenne muscular dystrophy. Last evaluated: 2023-04-07. Review status: criteria provided, single submitter. Criteria: Invitae Variant Classification Sherloc (09022015). Collection method: clinical testing. Allele origin: germline.
Comment: For these reasons, this variant has been classified as Pathogenic. A similar copy number variant has been observed in individuals with Duchenne muscular dystrophy (PMID: 17259292, 19937601, 25482253). This variant results in a copy number gain of the genomic region encompassing exon(s) 50-60 of the DMD gene. While the exact position of this variant cannot be determined from the data, sub-genic copy number gains are generally in tandem (PMID: 25640679). This variant is predicted to be in-frame, and likely preserves the integrity of the reading frame.

Literature cited by the submitters: PubMed 17259292; PubMed 19937601; PubMed 25482253; PubMed 25640679.

NC_000023.10:g.(?_31462578)_(31838220_?)dup

Gene: DMD (dystrophin; minus strand). Cytogenetic location: Xp21.2-21.1.
Variant type: Duplication.
Identifiers: ClinVar variation 1460421 (VCV001460421.5).